The following is an entry in ClinVar:

NM_015450.3(POT1):c.1286A>T (p.Gln429Leu)

Gene: POT1 (protection of telomeres 1; minus strand). Cytogenetic location: 7q31.33.
Variant type: single nucleotide variant.
Coding change: c.1286A>T on transcript NM_015450.3 (MANE Select); coding-DNA position 1286, A replaced by T.
Protein change: p.Gln429Leu; replaces glutamine 429 with leucine.
Molecular consequence: missense variant. On other transcripts: non-coding transcript variant (3).
Genome position (GRCh38, 1-based): chr7:124,841,056, T>A on the plus strand (A>T on the coding strand, the complement: POT1 is on the minus strand). VCF-style: chr7-124841056-T-A. GRCh37 (hg19) VCF-style: chr7-124481110-T-A.
Other names: c.893A>T, p.Gln298Leu (NM_001042594.2); short protein forms Q298L, Q429L.
Identifiers: ClinVar variation 1513734 (VCV001513734.8), dbSNP rs2116461495, ClinGen allele CA369067096.

ClinVar aggregate classification (germline): Uncertain significance (1 of 4 stars; one submission).

Conditions:
Tumor predisposition syndrome 3 (TPDS3). Also called: Glioma susceptibility 9; LONG TELOMERE SYNDROME, POT1-RELATED; POT1 Tumor Predisposition; Melanoma, cutaneous malignant, susceptibility to, 10. Identifiers: Orphanet 618, MedGen C4014476, MONDO:0014368, OMIM 615848.

Submission:

Labcorp Genetics (formerly Invitae), Labcorp
Classification: Uncertain significance for Tumor predisposition syndrome 3. Last evaluated: 2021-06-17. Review status: criteria provided, single submitter. Criteria: Invitae Variant Classification Sherloc (09022015). Collection method: clinical testing. Allele origin: germline.
Comment: In summary, the available evidence is currently insufficient to determine the role of this variant in disease. Therefore, it has been classified as a Variant of Uncertain Significance. Algorithms developed to predict the effect of missense changes on protein structure and function are either unavailable or do not agree on the potential impact of this missense change (SIFT: "Tolerated"; PolyPhen-2: "Probably Damaging"; Align-GVGD: "Class C0"). This variant has not been reported in the literature in individuals with POT1-related conditions. This variant is not present in population databases (ExAC no frequency). This sequence change replaces glutamine with leucine at codon 429 of the POT1 protein (p.Gln429Leu). The glutamine residue is moderately conserved and there is a moderate physicochemical difference between glutamine and leucine.